The following is an entry in ClinVar:

ClinVar aggregate classification (germline): not provided (0 of 4 stars; one submission).

Allele frequency attached by ClinVar (database versions not stated): gnomAD 0.00001; gnomAD exomes 0.00001; TOPMed 0.00002.
gnomAD v4.1: 5 of 1,586,358 alleles (0.00032%); highest among the groups gnomAD compares: African/African-American, 0.004%; no homozygotes.

Submission:

Human Evolutionary Genetics, Institut Pasteur
No classification provided. Review status: no classification provided. Collection method: not provided. Allele origin: germline.
ClinVar note: Converted during submission from untested to not provided.

NM_000246.4(CIITA):c.1007-54C>T

Gene: CIITA (class II major histocompatibility complex transactivator; plus strand). Cytogenetic location: 16p13.13.
Variant type: single nucleotide variant.
Coding change: c.1007-54C>T on transcript NM_000246.4 (MANE Select); 54 bases into the intron before coding-DNA position 1007, C replaced by T.
Molecular consequence: intron variant.
Genome position (GRCh38, 1-based): chr16:10,906,445, C>T. VCF-style: chr16-10906445-C-T. GRCh37 (hg19) VCF-style: chr16-11000302-C-T.
Other names: c.1010-54C>T (NM_001286402.1, NM_001379332.1); c.863-54C>T (NM_001379330.1); c.1007-54C>T (NM_001379333.1); c.860-54C>T (NM_001379331.1); c.859+1633C>T (NM_001286403.2); c.938-54C>T (NM_001379334.1).
Identifiers: ClinVar variation 102991 (VCV000102991.2), dbSNP rs199476068, ClinGen allele CA229957.
Genomic context (GRCh38, chr16:10,906,445, plus strand): 5'-AAAAACTGTGTGGGGAACAGATGTAAATGATGGTGGCAGTGCTGGCCTTGTGGTGGCTGG[C>T]CCTGGCCCTGCCTCTCACATACCCCCACCCTGACACGCCCCTGGCCTTTGCAGAGCCGGT-3'